The following is an entry in ClinVar:

NM_002500.5(NEUROD1):c.610C>T (p.Pro204Ser)

Gene: NEUROD1 (neuronal differentiation 1; minus strand). Cytogenetic location: 2q31.3.
Variant type: single nucleotide variant.
Coding change: c.610C>T on transcript NM_002500.5 (MANE Select); coding-DNA position 610, C replaced by T.
Protein change: p.Pro204Ser; replaces proline 204 with serine.
Molecular consequence: missense variant.
Genome position (GRCh38, 1-based): chr2:181,678,251, G>A on the plus strand (C>T on the coding strand, the complement: NEUROD1 is on the minus strand). VCF-style: chr2-181678251-G-A. GRCh37 (hg19) VCF-style: chr2-182542978-G-A.
Other names: short protein forms P204S.
Identifiers: ClinVar variation 1145044 (VCV001145044.20), dbSNP rs142123958, ClinGen allele CA2011108.
Genomic context (GRCh38, chr2:181,678,251, plus strand): 5'-GCGACTGGTAGGAGTAGGGGTGTACAGGGAAGGAAGCGCTGGCCGTCGGCAGGTGGGGGG[G>A]CATGTCCTGGTTCTGCTCAGGCAGAAAAGTCCGAGGATTGAGTTGCAGGCAGCCCGCAAC-3'
Protein context (NP_002491.3, residues 194-214): TFLPEQNQDM[Pro204Ser]PHLPTASASF

ClinVar aggregate classification (germline): Conflicting classifications of pathogenicity. Review status: criteria provided, conflicting classifications (1 of 4 stars). 4 submissions from 4 submitters: Uncertain significance (1); Likely benign (2). 1 of the submissions does not count toward it. Last evaluated 2026-01-26.

Conditions:
NEUROD1-related disorder. Also called: NEUROD1-related condition.

Allele frequency attached by ClinVar (database versions not stated): gnomAD exomes 0.00007 and 0.00017; ExAC 0.00022; gnomAD 0.00076 and 0.00081; TOPMed 0.00083; ESP Exome Variant Server 0.00092; 1000 Genomes Project 30x 0.00094; 1000 Genomes Project 0.00100.

Submissions (4):

Labcorp Genetics (formerly Invitae), Labcorp
Classification: Likely benign. Last evaluated: 2026-01-26. Review status: criteria provided, single submitter. Criteria: Invitae Variant Classification Sherloc (09022015). Collection method: clinical testing. Allele origin: germline.

GeneDx
Classification: Uncertain significance. Last evaluated: 2025-07-29. Review status: criteria provided, single submitter. Criteria: GeneDx Variant Classification Process June 2021. Collection method: clinical testing. Allele origin: germline. Affected: yes.
Comment: Observed in a cohort of patients with dyslipidemia in published literature; however, patient-specific clinical information not provided (PMID: 32041611); Identified in a patient with a clinical diagnosis of MODY and classified as a variant of uncertain significance in published literature (PMID: Deng2023[preprint]); In silico analysis suggests that this missense variant does not alter protein structure/function; This variant is associated with the following publications: (PMID: 32041611, Deng2023[preprint])

Genetic Services Laboratory, University of Chicago
Classification: Likely benign. Last evaluated: 2021-11-19. Review status: criteria provided, single submitter. Criteria: ACMG Guidelines, 2015. Collection method: clinical testing. Allele origin: germline. Affected: no.
Comment: DNA sequence analysis of the NEUROD1 gene demonstrated a sequence change, c.610C>T, in exon 2 that results in an amino acid change, p.Pro204Ser. This sequence change does not appear to have been previously described in individuals with NEUROD1-related disorders. This sequence change has been described in the gnomAD database with a frequency of 0.25% in the African subpopulation (dbSNP rs142123958). The p.Pro204Ser change affects a highly conserved amino acid residue located in a domain of the NEUROD1 protein that is known to be functional. In-silico pathogenicity prediction tools (SIFT, PolyPhen2, Align GVGD, REVEL) provide contradictory results for the p.Pro204Ser substitution. Due to insufficient evidence and the lack of functional studies, the clinical significance of the p.Pro204Ser change remains unknown at this time.

PreventionGenetics, part of Exact Sciences
Classification: Likely benign for NEUROD1-related condition. Last evaluated: 2019-04-25. Review status: no assertion criteria provided. Collection method: clinical testing. Allele origin: germline. Not counted in ClinVar's aggregate classification.
Comment: This variant is classified as likely benign based on ACMG/AMP sequence variant interpretation guidelines (Richards et al. 2015 PMID: 25741868, with internal and published modifications).